The following is an entry in ClinVar:

ClinVar aggregate classification (germline): Pathogenic/Likely pathogenic. Review status: criteria provided, multiple submitters, no conflicts (2 of 4 stars). 2 submissions from 2 submitters: Pathogenic (1); Likely pathogenic (1). Last evaluated 2024-07-03.

Conditions:
Retinitis pigmentosa 26 (RP26). Identifiers: Orphanet 791, MedGen C1842127, MONDO:0012024, OMIM 608380.

Submissions (2):

Labcorp Genetics (formerly Invitae), Labcorp
Classification: Pathogenic. Last evaluated: 2024-07-03. Review status: criteria provided, single submitter. Criteria: Invitae Variant Classification Sherloc (09022015). Collection method: clinical testing. Allele origin: germline.
Comment: This sequence change creates a premature translational stop signal (p.Phe123Hisfs*9) in the CERKL gene. It is expected to result in an absent or disrupted protein product. Loss-of-function variants in CERKL are known to be pathogenic (PMID: 14681825, 23591405, 24043777). This variant is present in population databases (no rsID available, gnomAD 0.0009%). This premature translational stop signal has been observed in individual(s) with inherited retinal dystrophy (PMID: 34906470). ClinVar contains an entry for this variant (Variation ID: 1065714). For these reasons, this variant has been classified as Pathogenic.

Ocular Genomics Institute, Massachusetts Eye and Ear
Classification: Likely pathogenic for Retinitis pigmentosa 26. Last evaluated: 2021-04-08. Review status: criteria provided, single submitter. Criteria: ACMG Guidelines, 2015. Collection method: research. Allele origin: germline. Affected: yes.
Comment: Through a review of available evidence we were able to apply the following criteria: PVS1, PM2. Based on this evidence we have classified this variant as Likely Pathogenic.

Literature cited by the submitters: PubMed 14681825 (cited by Labcorp Genetics (formerly Invitae), Labcorp); PubMed 23591405 (cited by Labcorp Genetics (formerly Invitae), Labcorp); PubMed 24043777 (cited by Labcorp Genetics (formerly Invitae), Labcorp); PubMed 34906470 (cited by Labcorp Genetics (formerly Invitae), Labcorp).

NM_201548.5(CERKL):c.366_367del (p.Phe123fs)

Gene: CERKL (CERK like autophagy regulator; minus strand). Cytogenetic location: 2q31.3.
Variant type: Microsatellite.
Coding change: c.366_367del on transcript NM_201548.5 (MANE Select); coding-DNA positions 366 to 367, 2 bases deleted (CT; older notation c.366_367delCT).
Protein change: p.Phe123fs; shifts the reading frame from phenylalanine 123.
Molecular consequence: frameshift variant. On other transcripts: non-coding transcript variant (2).
Genome position (GRCh38, 1-based): chr2:181,603,951-181,603,952, AG deleted on the plus strand (CT on the coding strand, the reverse complement: CERKL is on the minus strand); deleting any 2 consecutive bases within chr2:181,603,951-181,603,954 gives the same sequence; the c. name uses the placement nearest the transcript's 3' end. VCF-style (leftmost placement, unchanged base first): chr2-181603950-AAG-A. GRCh37 (hg19) VCF-style: chr2-182468677-AAG-A.
Other names: c.366_367del, p.Phe123fs (NM_001030311.3, NM_001030312.3, NM_001030313.3 and 1 more transcripts); short protein forms F123fs.
Identifiers: ClinVar variation 1065714 (VCV001065714.7), dbSNP rs1305408254, ClinGen allele CA538438769.
Genomic context (GRCh38, chr2:181,603,950, plus strand): 5'-AAATTAATAAGATCAAGTGTAGAATTCTTTAGTTTATTTTGTTCCTTTTTCAAGCAGATG[AAG>A]AGTGTGATACCTAATAAAGTACCACTTCTCTGCTGTTTAACAGAACAACGCCGTTTCAGT-3'